The following is an entry in ClinVar:

ClinVar aggregate classification (germline): Likely benign (1 of 4 stars; one submission).

Conditions:
Familial cancer of breast. Also called: Hereditary breast cancer; hereditary breast carcinoma; BREAST CANCER, FAMILIAL. Identifiers: Orphanet 227535, MedGen C0346153, MONDO:0016419, OMIM 114480. Disease mechanism: loss of function.

Submission:

Myriad Genetics, Inc.
Classification: Likely benign for Familial cancer of breast. Last evaluated: 2025-01-22. Review status: criteria provided, single submitter. Criteria: Myriad Autosomal Dominant, Autosomal Recessive and X-Linked Classification Criteria (2023). Collection method: clinical testing. Allele origin: unknown.
Comment: This variant is considered likely benign. This variant is intronic and is not expected to impact mRNA splicing.

NM_024675.4(PALB2):c.3351-19C>T

Gene: PALB2 (partner and localizer of BRCA2; minus strand). Cytogenetic location: 16p12.2.
Variant type: single nucleotide variant.
Coding change: c.3351-19C>T on transcript NM_024675.4 (MANE Select); 19 bases into the intron before coding-DNA position 3351, C replaced by T.
Molecular consequence: intron variant.
Genome position (GRCh38, 1-based): chr16:23,603,688, G>A on the plus strand (C>T on the coding strand, the complement: PALB2 is on the minus strand). VCF-style: chr16-23603688-G-A. GRCh37 (hg19) VCF-style: chr16-23615009-G-A.
Other names: c.2229-19C>T (NM_001407308.1, NM_001407309.1); c.2466-19C>T (NM_001407306.1, NM_001407305.1, NM_001407304.1); c.885-19C>T (NM_001407314.1); c.1414-19C>T (NM_001407313.1); c.1563-19C>T (NM_001407312.1); c.3291-19C>T (NM_001407296.1); c.3279-19C>T (NM_001407297.1); c.3040-19C>T (NM_001407302.1); and 6 more.
Identifiers: ClinVar variation 3904287 (VCV003904287.1).